The following is an entry in ClinVar:

NM_001139.3(ALOX12B):c.1693C>T (p.Arg565Ter)

Gene: ALOX12B (arachidonate 12-lipoxygenase, 12R type; minus strand). Cytogenetic location: 17p13.1.
Variant type: single nucleotide variant.
Coding change: c.1693C>T on transcript NM_001139.3 (MANE Select); coding-DNA position 1693, C replaced by T.
Protein change: p.Arg565Ter; replaces arginine 565 with a stop codon.
Molecular consequence: nonsense.
Genome position (GRCh38, 1-based): chr17:8,073,719, G>A on the plus strand (C>T on the coding strand, the complement: ALOX12B is on the minus strand). VCF-style: chr17-8073719-G-A. GRCh37 (hg19) VCF-style: chr17-7977037-G-A.
Other names: short protein forms R565*.
Identifiers: ClinVar variation 3382516 (VCV003382516.2).

ClinVar aggregate classification (germline): Pathogenic (1 of 4 stars; one submission).

Conditions:
Autosomal recessive congenital ichthyosis 2 (ARCI2). Identifiers: Orphanet 281122, Orphanet 79394, MedGen C3888093, MONDO:0009439, OMIM 242100.

gnomAD v4.1: 1 of 1,613,876 alleles (0.000062%); highest among the groups gnomAD compares: South Asian, 0.0011%; no homozygotes.

Submission:

Juno Genomics, Hangzhou Juno Genomics, Inc
Classification: Pathogenic for Autosomal recessive congenital ichthyosis 2. Review status: criteria provided, single submitter. Criteria: ACMG Guidelines, 2015. Collection method: clinical testing. Allele origin: germline. Affected: yes.
Comment: Absent from controls (or at extremely low frequency if recessive) in Genome Aggregation Database, Exome Sequencing Project, 1000 Genomes Project, or Exome Aggregation Consortium.;Null variant in a gene where loss of function (LOF) is a known mechanism of disease.;Patient's phenotype or family history is highly specific for a disease with a single genetic etiology.